The following is an entry in ClinVar:

NM_004360.5(CDH1):c.117C>A (p.Phe39Leu)

Gene: CDH1 (cadherin 1; plus strand). Cytogenetic location: 16q22.1.
Variant type: single nucleotide variant.
Coding change: c.117C>A on transcript NM_004360.5 (MANE Select); coding-DNA position 117, C replaced by A.
Protein change: p.Phe39Leu; replaces phenylalanine 39 with leucine.
Molecular consequence: missense variant. On other transcripts: 5 prime UTR variant (2).
Genome position (GRCh38, 1-based): chr16:68,738,365, C>A. VCF-style: chr16-68738365-C-A. GRCh37 (hg19) VCF-style: chr16-68772268-C-A.
Other names: c.-1499C>A (NM_001317185.2); c.-1703C>A (NM_001317186.2); c.117C>A, p.Phe39Leu (NM_001317184.2); short protein forms F39L.
Identifiers: ClinVar variation 4868407 (VCV004868407.1).

ClinVar aggregate classification (germline): Uncertain significance (1 of 4 stars; one submission).

Conditions:
Hereditary cancer-predisposing syndrome. Also called: Neoplastic Syndromes, Hereditary; Tumor predisposition; Hereditary Cancer Syndrome; Hereditary neoplastic syndrome. Identifiers: Orphanet 140162, MedGen C0027672, MeSH D009386, MONDO:0015356.

Submission:

Ambry Genetics
Classification: Uncertain significance for Hereditary cancer-predisposing syndrome. Last evaluated: 2026-05-17. Review status: criteria provided, single submitter. Criteria: Ambry Variant Classification Scheme 2023. Collection method: clinical testing. Allele origin: germline.
Comment: The p.F39L variant (also known as c.117C>A), located in coding exon 2 of the CDH1 gene, results from a C to A substitution at nucleotide position 117. The phenylalanine at codon 39 is replaced by leucine, an amino acid with highly similar properties. This amino acid position is conserved. In addition, this alteration is predicted to be tolerated by in silico analysis. Based on the available evidence, the clinical significance of this variant remains unclear.